The following is an entry in ClinVar:

ClinVar aggregate classification (germline): Benign (1 of 4 stars; one submission).

Allele frequency attached by ClinVar (database versions not stated): gnomAD 0.72773 and 0.73054; TOPMed 0.74368; 1000 Genomes Project 30x 0.83245; 1000 Genomes Project 0.83506.
gnomAD v4.1: 110,942 of 152,118 alleles (73%); highest among the groups gnomAD compares: East Asian, 97%; 41,590 homozygotes.

Submission:

GeneDx
Classification: Benign. Last evaluated: 2018-06-14. Review status: criteria provided, single submitter. Criteria: GeneDx Variant Classification (06012015). Collection method: clinical testing. Allele origin: germline. Affected: yes.
Comment: This variant is considered likely benign or benign based on one or more of the following criteria: it is a conservative change, it occurs at a poorly conserved position in the protein, it is predicted to be benign by multiple in silico algorithms, and/or has population frequency not consistent with disease.

NM_017827.4(SARS2):c.1160+278A>G

Gene: SARS2 (seryl-tRNA synthetase 2, mitochondrial; minus strand). Cytogenetic location: 19q13.2.
Variant type: single nucleotide variant.
Coding change: c.1160+278A>G on transcript NM_017827.4 (MANE Select); 278 bases into the intron after coding-DNA position 1160, A replaced by G.
Molecular consequence: intron variant.
Genome position (GRCh38, 1-based): chr19:38,917,446, T>C on the plus strand (A>G on the coding strand, the complement: SARS2 is on the minus strand). VCF-style: chr19-38917446-T-C. GRCh37 (hg19) VCF-style: chr19-39408086-T-C.
Other names: c.1166+278A>G (NM_001145901.2).
Identifiers: ClinVar variation 683699 (VCV000683699.1), dbSNP rs9749516, ClinGen allele CA15946044.